The following is an entry in ClinVar:

NM_005585.5(SMAD6):c.632C>G (p.Ala211Gly)

Gene: SMAD6 (SMAD family member 6; plus strand). Cytogenetic location: 15q22.31.
Variant type: single nucleotide variant.
Coding change: c.632C>G on transcript NM_005585.5 (MANE Select); coding-DNA position 632, C replaced by G.
Protein change: p.Ala211Gly; replaces alanine 211 with glycine.
Molecular consequence: missense variant. On other transcripts: non-coding transcript variant (1).
Genome position (GRCh38, 1-based): chr15:66,703,890, C>G. VCF-style: chr15-66703890-C-G. GRCh37 (hg19) VCF-style: chr15-66996228-C-G.
Other names: short protein forms A211G.
Identifiers: ClinVar variation 3385185 (VCV003385185.3).

ClinVar aggregate classification (germline): Uncertain significance. Review status: criteria provided, multiple submitters, no conflicts (2 of 4 stars). 2 submissions from 2 submitters: Uncertain significance (2). Last evaluated 2024-10-21.

Conditions:
Aortic valve disease 2 (AOVD2). Identifiers: MedGen C3542024, MONDO:0013902, OMIM 614823.

gnomAD v4.1: 9 of 1,293,350 alleles (0.0007%); highest among the groups gnomAD compares: East Asian, 0.023%; no homozygotes.

Submissions (2):

Women's Health and Genetics/Laboratory Corporation of America, LabCorp
Classification: Uncertain significance. Last evaluated: 2024-10-21. Review status: criteria provided, single submitter. Criteria: LabCorp Variant Classification Summary - May 2015. Collection method: clinical testing. Allele origin: germline.
Comment: Variant summary: SMAD6 c.632C>G (p.Ala211Gly) results in a non-conservative amino acid change located in the MAD homology 1, Dwarfin-type (IPR003619) of the encoded protein sequence. Three of five in-silico tools predict a benign effect of the variant on protein function. The variant was absent in 26030 control chromosomes (gnomAD). The available data on variant occurrences in the general population are insufficient to allow any conclusion about variant significance. c.632C>G has been reported in the literature in at least an individual affected with thoracic ossification of the ligamentum flavum (example: Qu_2017). This report does not provide unequivocal conclusions about association of the variant with Aortic Valve Disease. To our knowledge, no experimental evidence demonstrating an impact on protein function has been reported. The following publication has been ascertained in the context of this evaluation (PMID: 28145426). No submitters have cited clinical-significance assessments for this variant to ClinVar. Based on the evidence outlined above, the variant was classified as uncertain significance.

Labcorp Genetics (formerly Invitae), Labcorp
Classification: Uncertain significance for Aortic valve disease 2. Last evaluated: 2024-09-27. Review status: criteria provided, single submitter. Criteria: Invitae Variant Classification Sherloc (09022015). Collection method: clinical testing. Allele origin: germline.
Comment: This sequence change replaces alanine, which is neutral and non-polar, with glycine, which is neutral and non-polar, at codon 211 of the SMAD6 protein (p.Ala211Gly). This variant is not present in population databases (gnomAD no frequency). This variant has not been reported in the literature in individuals affected with SMAD6-related conditions. Invitae Evidence Modeling of protein sequence and biophysical properties (such as structural, functional, and spatial information, amino acid conservation, physicochemical variation, residue mobility, and thermodynamic stability) indicates that this missense variant is not expected to disrupt SMAD6 protein function with a negative predictive value of 80%. In summary, the available evidence is currently insufficient to determine the role of this variant in disease. Therefore, it has been classified as a Variant of Uncertain Significance.

Literature cited by the submitters: PubMed 28145426 (cited by Women's Health and Genetics/Laboratory Corporation of America, LabCorp).